The following is an entry in ClinVar:

NM_005045.4(RELN):c.5249A>G (p.Tyr1750Cys)

Gene: RELN (reelin; minus strand). Cytogenetic location: 7q22.1.
Variant type: single nucleotide variant.
Coding change: c.5249A>G on transcript NM_005045.4 (MANE Select); coding-DNA position 5249, A replaced by G.
Protein change: p.Tyr1750Cys; replaces tyrosine 1750 with cysteine.
Molecular consequence: missense variant.
Genome position (GRCh38, 1-based): chr7:103,561,915, T>C on the plus strand (A>G on the coding strand, the complement: RELN is on the minus strand). VCF-style: chr7-103561915-T-C. GRCh37 (hg19) VCF-style: chr7-103202362-T-C.
Other names: c.5249A>G, p.Tyr1750Cys (NM_173054.3); short protein forms Y1750C.
Identifiers: ClinVar variation 834703 (VCV000834703.9), dbSNP rs1449221629, ClinGen allele CA368744552.

ClinVar aggregate classification (germline): Uncertain significance (1 of 4 stars; one submission).

Conditions:
Norman-Roberts syndrome (LIS2). Also called: Lissencephaly 2 (Norman-Roberts type). Identifiers: Orphanet 89844, MedGen C0796089, MONDO:0009760, OMIM 257320.
Familial temporal lobe epilepsy 7. Identifiers: Orphanet 101046, MedGen C4225327, MONDO:0014639, OMIM 616436.

Allele frequency attached by ClinVar (database versions not stated): gnomAD 0.00001 and 0.00002; TOPMed 0.00001.
gnomAD v4.1: 2 of 1,602,686 alleles (0.00012%); highest among the groups gnomAD compares: East Asian, 0.0022%; no homozygotes.

Submission:

Labcorp Genetics (formerly Invitae), Labcorp
Classification: Uncertain significance for Familial temporal lobe epilepsy 7; Norman-Roberts syndrome. Last evaluated: 2019-04-09. Review status: criteria provided, single submitter. Criteria: Invitae Variant Classification Sherloc (09022015). Collection method: clinical testing. Allele origin: germline.
Comment: This variant has not been reported in the literature in individuals with RELN-related conditions. This sequence change replaces tyrosine with cysteine at codon 1750 of the RELN protein (p.Tyr1750Cys). The tyrosine residue is highly conserved and there is a large physicochemical difference between tyrosine and cysteine. This variant is not present in population databases (ExAC no frequency). In summary, the available evidence is currently insufficient to determine the role of this variant in disease. Therefore, it has been classified as a Variant of Uncertain Significance. Algorithms developed to predict the effect of missense changes on protein structure and function are either unavailable or do not agree on the potential impact of this missense change (SIFT: "Deleterious"; PolyPhen-2: "Probably Damaging"; Align-GVGD: "Class C0").